The following is an entry in ClinVar:

NM_001142800.2(EYS):c.2504G>A (p.Cys835Tyr)

Gene: EYS (EGF-like photoreceptor maintenance factor; minus strand). Cytogenetic location: 6q12.
Variant type: single nucleotide variant.
Coding change: c.2504G>A on transcript NM_001142800.2 (MANE Select); coding-DNA position 2504, G replaced by A.
Protein change: p.Cys835Tyr; replaces cysteine 835 with tyrosine.
Molecular consequence: missense variant.
Genome position (GRCh38, 1-based): chr6:64,912,621, C>T on the plus strand (G>A on the coding strand, the complement: EYS is on the minus strand). VCF-style: chr6-64912621-C-T. GRCh37 (hg19) VCF-style: chr6-65622514-C-T.
Other names: c.2504G>A, p.Cys835Tyr (NM_001292009.2); short protein forms C835Y.
Identifiers: ClinVar variation 4814620 (VCV004814620.2).

ClinVar aggregate classification (germline): Conflicting classifications of pathogenicity. Review status: criteria provided, conflicting classifications (1 of 4 stars). 2 submissions from 2 submitters: Likely pathogenic (1); Uncertain significance (1). Last evaluated 2026-06-26.

Conditions:
Retinitis pigmentosa 25 (RP25). Identifiers: Orphanet 791, MedGen C1864446, MONDO:0011272, OMIM 602772.

gnomAD v4.1: 3 of 1,551,098 alleles (0.00019%); highest among the groups gnomAD compares: East Asian, 0.0073%; no homozygotes.

Submissions (2):

Women's Health and Genetics/Laboratory Corporation of America, LabCorp
Classification: Uncertain significance. Last evaluated: 2026-06-26. Review status: criteria provided, single submitter. Criteria: LabCorp Variant Classification Summary - May 2015. Collection method: clinical testing. Allele origin: germline.
Comment: Variant summary: EYS c.2504G>A (p.Cys835Tyr) results in a non-conservative amino acid change in the encoded protein sequence. Algorithms developed to predict the effect of missense changes on protein structure and function all suggest that this variant is likely to be disruptive. The variant allele was found at a frequency of 1.9e-05 in 156070 control chromosomes. c.2504G>A has been observed in one or more individual(s) with a compound heterozygous genotype affected with EYS-related conditions (e.g. Wei_2020). These data indicate that the variant may be associated with disease. To our knowledge, no experimental evidence demonstrating an impact on protein function has been reported. The following publications have been ascertained in the context of this evaluation (PMID: 32436957, 34178978). ClinVar contains an entry for this variant (Variation ID: 4814620). Based on the evidence outlined above, the variant was classified as VUS-possibly pathogenic.

Natera, Inc.
Classification: Likely pathogenic for Retinitis pigmentosa type 25. Last evaluated: 2025-01-21. Review status: criteria provided, single submitter. Criteria: Natera Variant Classification Schema (03/2026). Collection method: clinical testing. Allele origin: germline.
Comment: The c.2504G>A variant in EYS is a missense variant predicted to cause substitution of cysteine to tyrosine at amino acid 835. This variant is rare in the general population with a frequency below the threshold expected for the associated phenotype(s). This variant has been observed in one or more individuals affected with the associated recessive disease, as either homozygous or compound heterozygous with a second variant (PMID: 32436957). Additionally, this variant has been observed to segregate in affected family members (PMID: 32436957). Computational prediction algorithms indicate this variant is likely to affect gene or protein function. Given the available evidence, this variant is classified as Likely Pathogenic.

Literature cited by the submitters: PubMed 34178978 (cited by Women's Health and Genetics/Laboratory Corporation of America, LabCorp); PubMed 32436957 (cited by Women's Health and Genetics/Laboratory Corporation of America, LabCorp and Natera, Inc.).